The following is an entry in ClinVar:

NM_002180.3(IGHMBP2):c.242del (p.Asn81fs)

Gene: IGHMBP2 (immunoglobulin mu DNA binding protein 2; plus strand). Cytogenetic location: 11q13.3.
Variant type: Deletion.
Coding change: c.242del on transcript NM_002180.3 (MANE Select); coding-DNA position 242, one base deleted (A; older notation c.242delA).
Protein change: p.Asn81fs; shifts the reading frame from asparagine 81.
Molecular consequence: frameshift variant.
Genome position (GRCh38, 1-based): chr11:68,906,224, A deleted; the last of 2 consecutive A bases (chr11:68,906,223-68,906,224); deleting either gives the same sequence. VCF-style (leftmost placement, unchanged base first): chr11-68906222-TA-T. GRCh37 (hg19) VCF-style: chr11-68673690-TA-T.
Other names: short protein forms N81fs.
Identifiers: ClinVar variation 593474 (VCV000593474.11), dbSNP rs1249076926, ClinGen allele CA381642641.
Genomic context (GRCh38, chr11:68,906,222, plus strand): 5'-CGGACGGCTGCTGGTCACCTTTGAGCCCAGGCGATACGGGTCCGCGGCAGCTCTTCCCAG[TA>T]ACAGCTTTACTTCTGGTGTGTGCGTATTGACCTAGACAGACATTGAAATTTACTGGCATT-3'

ClinVar aggregate classification (germline): Pathogenic. Review status: criteria provided, multiple submitters, no conflicts (2 of 4 stars). 2 submissions from 2 submitters: Pathogenic (2). Last evaluated 2023-10-11.

Conditions:
Autosomal recessive distal spinal muscular atrophy 1. Also called: SEVERE INFANTILE AXONAL NEUROPATHY WITH RESPIRATORY FAILURE; SPINAL MUSCULAR ATROPHY, DIAPHRAGMATIC; Spinal muscular atrophy with respiratory distress 1; NEURONOPATHY, DISTAL HEREDITARY MOTOR, HARDING TYPE VI; NEUROPATHY, DISTAL HEREDITARY MOTOR, AUTOSOMAL RECESSIVE 1; HMN VI. Identifiers: Orphanet 98920, MedGen C1858517, MONDO:0011436, OMIM 604320.
Charcot-Marie-Tooth disease axonal type 2S. Also called: CHARCOT-MARIE-TOOTH DISEASE, AXONAL, AUTOSOMAL RECESSIVE, TYPE 2S; CHARCOT-MARIE-TOOTH NEUROPATHY, TYPE 2S. Identifiers: Orphanet 443073, MedGen C4015349, MONDO:0014511, OMIM 616155.

Submissions (2):

Labcorp Genetics (formerly Invitae), Labcorp
Classification: Pathogenic for Autosomal recessive distal spinal muscular atrophy 1; Charcot-Marie-Tooth disease axonal type 2S. Last evaluated: 2023-10-11. Review status: criteria provided, single submitter. Criteria: Invitae Variant Classification Sherloc (09022015). Collection method: clinical testing. Allele origin: germline.
Comment: This sequence change creates a premature translational stop signal (p.Asn81Thrfs*26) in the IGHMBP2 gene. It is expected to result in an absent or disrupted protein product. Loss-of-function variants in IGHMBP2 are known to be pathogenic (PMID: 14681881, 25439726, 25568292). This variant is not present in population databases (gnomAD no frequency). This variant has not been reported in the literature in individuals affected with IGHMBP2-related conditions. ClinVar contains an entry for this variant (Variation ID: 593474). For these reasons, this variant has been classified as Pathogenic.

Eurofins Ntd Llc (ga)
Classification: Pathogenic. Last evaluated: 2017-08-09. Review status: criteria provided, single submitter. Criteria: EGL Classification Definitions 2015. Collection method: clinical testing. Allele origin: germline. Observed: 1 variant allele, 1 heterozygote.

Literature cited by the submitters: PubMed 14681881 (cited by Labcorp Genetics (formerly Invitae), Labcorp); PubMed 25439726 (cited by Labcorp Genetics (formerly Invitae), Labcorp); PubMed 25568292 (cited by Labcorp Genetics (formerly Invitae), Labcorp).